The following is an entry in ClinVar:

ClinVar aggregate classification (germline): Uncertain significance. Review status: criteria provided, multiple submitters, no conflicts (2 of 4 stars). 3 submissions from 3 submitters: Uncertain significance (3). Last evaluated 2024-01-30.

Conditions:
Combined malonic and methylmalonic acidemia. Identifiers: Orphanet 289504, MedGen C3280314, MONDO:0013661, OMIM 614265.

Allele frequency attached by ClinVar (database versions not stated): gnomAD exomes 0.00001 and 0.00006; TOPMed 0.00002; ExAC 0.00003; gnomAD 0.00004 and 0.00006; 1000 Genomes Project 30x 0.00031; 1000 Genomes Project 0.00040.
gnomAD v4.1: 30 of 1,613,478 alleles (0.0019%); highest among the groups gnomAD compares: East Asian, 0.051%; no homozygotes.

Submissions (3):

Greenwood Genetic Center Diagnostic Laboratories, Greenwood Genetic Center
Classification: Uncertain significance. Last evaluated: 2024-01-30. Review status: criteria provided, single submitter. Criteria: ACMG Guidelines, 2015. Collection method: clinical testing. Allele origin: germline. Affected: yes.
Comment: PM2, PP3

Fulgent Genetics
Classification: Uncertain significance for Combined malonic and methylmalonic acidemia. Last evaluated: 2021-12-10. Review status: criteria provided, single submitter. Criteria: ACMG Guidelines, 2015. Collection method: clinical testing. Allele origin: unknown.

GeneDx
Classification: Uncertain significance. Last evaluated: 2019-08-09. Review status: criteria provided, single submitter. Criteria: GeneDx Variant Classification Process June 2021. Collection method: clinical testing. Allele origin: germline. Affected: yes.
Comment: In silico analysis, which includes protein predictors and evolutionary conservation, supports a deleterious effect; Has not been previously published as pathogenic or benign to our knowledge

NM_001243279.3(ACSF3):c.1084A>T (p.Met362Leu)

Genes: ACSF3 (acyl-CoA synthetase family member 3; plus strand), LOC125177393 (P300/CBP strongly-dependent group 1 enhancer GRCh37_chr16:89180375-89181574; plus strand). Cytogenetic location: 16q24.3.
Variant type: single nucleotide variant.
Coding change: c.1084A>T on transcript NM_001243279.3 (MANE Select); coding-DNA position 1084, A replaced by T.
Protein change: p.Met362Leu; replaces methionine 362 with leucine.
Molecular consequence: missense variant. On other transcripts: non-coding transcript variant (2).
Genome position (GRCh38, 1-based): chr16:89,114,445, A>T. VCF-style: chr16-89114445-A-T. GRCh37 (hg19) VCF-style: chr16-89180853-A-T.
Other names: c.1084A>T, p.Met362Leu (NM_001127214.4, NM_174917.5); c.289A>T, p.Met97Leu (NM_001284316.2); short protein forms M362L, M97L.
Identifiers: ClinVar variation 1307215 (VCV001307215.4), dbSNP rs560149696, ClinGen allele CA8237957.